The following is an entry in ClinVar:

NM_144573.4(NEXN):c.157G>A (p.Glu53Lys)

Gene: NEXN (nexilin F-actin binding protein; plus strand). Cytogenetic location: 1p31.1.
Variant type: single nucleotide variant.
Coding change: c.157G>A on transcript NM_144573.4 (MANE Select); coding-DNA position 157, G replaced by A.
Protein change: p.Glu53Lys; replaces glutamic acid 53 with lysine.
Molecular consequence: missense variant. On other transcripts: intron variant (1).
Genome position (GRCh38, 1-based): chr1:77,917,695, G>A. VCF-style: chr1-77917695-G-A. GRCh37 (hg19) VCF-style: chr1-78383380-G-A.
Other names: c.28-265G>A (NM_001172309.2); short protein forms E53K.
Identifiers: ClinVar variation 519153 (VCV000519153.35), dbSNP rs373778361, ClinGen allele CA918570.
Genomic context (GRCh38, chr1:77,917,695, plus strand): 5'-GATAAGTTTGAAGCCATGCAGAGAGCCAGGGAAGAAAGAAATCAAAGGAGATCTAGAGAC[G>A]AAAAACAAAGAAGAAAAGAACAATATATTAGAGAGAGAGAATGGAACAGGAGAAAGCAGG-3'
Protein context (NP_653174.3, residues 43-63): EERNQRRSRD[Glu53Lys]KQRRKEQYIR

ClinVar aggregate classification (germline): Uncertain significance. Review status: criteria provided, multiple submitters, no conflicts (2 of 4 stars). 10 submissions from 10 submitters: Uncertain significance (7). 3 of the submissions do not count toward it. Last evaluated 2026-06-15.

Conditions:
NEXN-related disorder. Also called: NEXN-related condition; NEXN-related disorders.
Cardiovascular phenotype. Identifiers: MedGen CN230736.
Dilated cardiomyopathy 1CC (CMD1CC). Identifiers: Orphanet 154, MedGen C2751084, MONDO:0013147, OMIM 613122.
Hypertrophic cardiomyopathy 20. Identifiers: MedGen C3151267, MONDO:0013477, OMIM 613876.

Allele frequency attached by ClinVar (database versions not stated): ExAC 0.00003; gnomAD exomes 0.00004 and 0.00007; gnomAD 0.00007; ESP Exome Variant Server 0.00008; TOPMed 0.00008; 1000 Genomes Project 30x 0.00016; 1000 Genomes Project 0.00020.
gnomAD v4.1: 114 of 1,611,658 alleles (0.0071%); highest among the groups gnomAD compares: Middle Eastern, 0.033%; 1 homozygote.

Submissions (10):

Women's Health and Genetics/Laboratory Corporation of America, LabCorp
Classification: Uncertain significance. Last evaluated: 2026-06-15. Review status: criteria provided, single submitter. Criteria: LabCorp Variant Classification Summary - May 2015. Collection method: clinical testing. Allele origin: germline.
Comment: Variant summary: NEXN c.157G>A (p.Glu53Lys) results in a conservative amino acid change in the encoded protein sequence. Algorithms developed to predict the effect of missense changes on protein structure and function are either unavailable or do not agree on the potential impact of this missense change. The variant allele was found at a frequency of 4e-05 in 248388 control chromosomes, predominantly at a frequency of 6.5e-05 within the African or African-American subpopulation in the gnomAD database. The available data on variant occurrences in the general population are insufficient to allow any conclusion about variant significance. c.157G>A has been observed in individual(s) affected with dilated cardiomyopathy and/or left ventricular noncompaction (Mazzarotto_2020, Miszalski-Jamka_2018, Perotto_2025). These report(s) do not provide unequivocal conclusions about association of the variant with disease. To our knowledge, no experimental evidence demonstrating an impact on protein function has been reported. The following publications have been ascertained in the context of this evaluation (PMID: 31983221, 28798025, 40680702). ClinVar contains an entry for this variant (Variation ID: 519153). Based on the evidence outlined above, the variant was classified as uncertain significance.

PreventionGenetics, part of Exact Sciences
Classification: Uncertain significance for NEXN-related condition. Last evaluated: 2026-06-09. Review status: criteria provided, single submitter. Criteria: ACMG Guidelines, 2015. Collection method: clinical testing. Allele origin: germline.
Comment: The NEXN c.157G>A variant is predicted to result in the amino acid substitution p.Glu53Lys. This variant has been reported in individuals with left ventricular noncompaction (166, Table S3, Miszalski-Jamka et al. 2017. PubMed ID: 28798025) and dilated cardiomyopathy (Supplemental Table 3, Mazzarotto et al. 2020. PubMed ID: 31983221). This variant was also reported in the homozygous state in a pediatric patient with dilated cardiomyopathy (Case No. 8, Al-Hassnan et al. 2020. PubMed ID: 32870709). This variant is reported in 0.0083% of alleles in individuals of African descent in gnomAD, and is interpreted as uncertain significance in ClinVar (ClinVar ID: 519153). At this time, the clinical significance of this variant is uncertain due to the absence of conclusive functional and genetic evidence.

Labcorp Genetics (formerly Invitae), Labcorp
Classification: Uncertain significance for Dilated cardiomyopathy 1CC; Hypertrophic cardiomyopathy 20. Last evaluated: 2025-12-24. Review status: criteria provided, single submitter. Criteria: Invitae Variant Classification Sherloc (09022015). Collection method: clinical testing. Allele origin: germline.
Comment: This sequence change replaces glutamic acid, which is acidic and polar, with lysine, which is basic and polar, at codon 53 of the NEXN protein (p.Glu53Lys). This variant is present in population databases (rs373778361, gnomAD 0.008%). This missense change has been observed in individual(s) with dilated cardiomyopathy and/or left ventricular noncompaction (PMID: 28798025, 31983221, 32870709). ClinVar contains an entry for this variant (Variation ID: 519153). An algorithm developed to predict the effect of missense changes on protein structure and function (PolyPhen-2) suggests that this variant is likely to be disruptive. In summary, the available evidence is currently insufficient to determine the role of this variant in disease. Therefore, it has been classified as a Variant of Uncertain Significance.

Molecular Diagnostic Laboratory for Inherited Cardiovascular Disease, Montreal Heart Institute
Classification: Uncertain significance for Cardiovascular phenotype. Last evaluated: 2025-04-09. Review status: criteria provided, single submitter. Criteria: ACMG Guidelines, 2015. Collection method: clinical testing. Allele origin: germline. Affected: yes.

Ambry Genetics
Classification: Uncertain significance for Cardiovascular phenotype. Last evaluated: 2024-12-30. Review status: criteria provided, single submitter. Criteria: Ambry Variant Classification Scheme 2023. Collection method: clinical testing. Allele origin: germline.
Comment: The p.E53K variant (also known as c.157G>A), located in coding exon 2 of the NEXN gene, results from a G to A substitution at nucleotide position 157. The glutamic acid at codon 53 is replaced by lysine, an amino acid with similar properties. This variant has been detected in a case with left ventricular non-compaction (LVNC) and a case with dilated cardiomyopathy (DCM); however, clinical details were limited (Miszalski-Jamka K et al. Circ Cardiovasc Genet. 2017 Aug;10(4); Mazzarotto F et al. Circulation. 2020 02;141(5):387-398). This variant was detected in the homozygous state in a pediatric case with DCM whose heterozygous parents were apparently unaffected (Al-Hassnan ZN et al. Circ Genom Precis Med. 2020 10;13(5):504-514). This amino acid position is highly conserved in available vertebrate species. In addition, the in silico prediction for this alteration is inconclusive. Since supporting evidence is limited at this time, the clinical significance of this alteration remains unclear.

GeneDx
Classification: Uncertain significance. Last evaluated: 2023-05-25. Review status: criteria provided, single submitter. Criteria: GeneDx Variant Classification Process June 2021. Collection method: clinical testing. Allele origin: germline. Affected: yes.
Comment: In silico analysis supports that this missense variant does not alter protein structure/function; This variant is associated with the following publications: (PMID: 32870709, 28798025, 31983221)

Fulgent Genetics
Classification: Uncertain significance for Dilated cardiomyopathy 1CC; Hypertrophic cardiomyopathy 20. Last evaluated: 2021-09-07. Review status: criteria provided, single submitter. Criteria: ACMG Guidelines, 2015. Collection method: clinical testing. Allele origin: unknown.

Clinical Genetics DNA and cytogenetics Diagnostics Lab, Erasmus MC, Erasmus Medical Center
Classification: Uncertain significance. Review status: no assertion criteria provided. Collection method: clinical testing. Allele origin: germline. Affected: yes. Study: VKGL Data-share Consensus. Not counted in ClinVar's aggregate classification.

Clinical Genetics, Academic Medical Center
Classification: Uncertain significance. Review status: no assertion criteria provided. Collection method: clinical testing. Allele origin: germline. Affected: yes. Study: VKGL Data-share Consensus. Not counted in ClinVar's aggregate classification.

Diagnostic Laboratory, Department of Genetics, University Medical Center Groningen
Classification: Uncertain significance. Review status: no assertion criteria provided. Collection method: clinical testing. Allele origin: germline. Affected: yes. Study: VKGL Data-share Consensus. Not counted in ClinVar's aggregate classification.

Literature cited by the submitters: PubMed 28798025 (cited by 3 submitters); PubMed 31983221 (cited by 3 submitters); PubMed 40680702 (cited by Women's Health and Genetics/Laboratory Corporation of America, LabCorp); PubMed 32870709 (cited by Labcorp Genetics (formerly Invitae), Labcorp and Ambry Genetics).